The following is an entry in ClinVar:

NM_004972.4(JAK2):c.1219G>A (p.Asp407Asn)

Genes: INSL6 (insulin like 6; minus strand), JAK2 (Janus kinase 2; plus strand). Cytogenetic location: 9p24.1.
Variant type: single nucleotide variant.
Coding change: c.1219G>A on transcript NM_004972.4 (MANE Select); coding-DNA position 1219, G replaced by A.
Protein change: p.Asp407Asn; replaces aspartic acid 407 with asparagine.
Molecular consequence: missense variant. On other transcripts: non-coding transcript variant (2).
Genome position (GRCh38, 1-based): chr9:5,066,682, G>A. VCF-style: chr9-5066682-G-A. GRCh37 (hg19) VCF-style: chr9-5066682-G-A.
Other names: c.1219G>A, p.Asp407Asn (NM_001322194.2, NM_001322195.2, NM_001322196.2); c.4G>A, p.Asp2Asn (NM_001322198.2, NM_001322199.2); c.772G>A, p.Asp258Asn (NM_001322204.2); short protein forms D258N, D2N, D407N.
Identifiers: ClinVar variation 4752565 (VCV004752565.2).

ClinVar aggregate classification (germline): Uncertain significance. Review status: criteria provided, multiple submitters, no conflicts (2 of 4 stars). 2 submissions from 2 submitters: Uncertain significance (2). Last evaluated 2026-01-25.

gnomAD v4.1: 17 of 1,577,336 alleles (0.0011%); highest among the groups gnomAD compares: African/African-American, 0.0013%; no homozygotes.

Submissions (2):

Labcorp Genetics (formerly Invitae), Labcorp
Classification: Uncertain significance. Last evaluated: 2026-01-25. Review status: criteria provided, single submitter. Criteria: Invitae Variant Classification Sherloc (09022015). Collection method: clinical testing. Allele origin: germline.
Comment: This sequence change replaces aspartic acid, which is acidic and polar, with asparagine, which is neutral and polar, at codon 407 of the JAK2 protein (p.Asp407Asn). This variant is not present in population databases (gnomAD no frequency). This variant has not been reported in the literature in individuals affected with JAK2-related conditions. Invitae Evidence Modeling of protein sequence and biophysical properties (such as structural, functional, and spatial information, amino acid conservation, physicochemical variation, residue mobility, and thermodynamic stability) indicates that this missense variant is not expected to disrupt JAK2 protein function with a negative predictive value of 80%. In summary, the available evidence is currently insufficient to determine the role of this variant in disease. Therefore, it has been classified as a Variant of Uncertain Significance.

Blueprint Genetics
Classification: Uncertain significance. Last evaluated: 2021-05-03. Review status: criteria provided, single submitter. Criteria: ACMG Guidelines, 2015. Collection method: clinical testing. Allele origin: germline.